The following is an entry in ClinVar:

ClinVar aggregate classification (germline): Uncertain significance (1 of 4 stars; one submission).

Submission:

Labcorp Genetics (formerly Invitae), Labcorp
Classification: Uncertain significance. Last evaluated: 2025-07-23. Review status: criteria provided, single submitter. Criteria: Invitae Variant Classification Sherloc (09022015). Collection method: clinical testing. Allele origin: germline.
Comment: This sequence change replaces arginine, which is basic and polar, with lysine, which is basic and polar, at codon 141 of the STAT4 protein (p.Arg141Lys). This variant is present in population databases (no rsID available, gnomAD 0.01%). This variant has not been reported in the literature in individuals affected with STAT4-related conditions. An algorithm developed to predict the effect of missense changes on protein structure and function (PolyPhen-2) suggests that this variant is likely to be tolerated. In summary, the available evidence is currently insufficient to determine the role of this variant in disease. Therefore, it has been classified as a Variant of Uncertain Significance.

NM_003151.4(STAT4):c.422G>A (p.Arg141Lys)

Gene: STAT4 (signal transducer and activator of transcription 4; minus strand). Cytogenetic location: 2q32.2.
Variant type: single nucleotide variant.
Coding change: c.422G>A on transcript NM_003151.4 (MANE Select); coding-DNA position 422, G replaced by A.
Protein change: p.Arg141Lys; replaces arginine 141 with lysine.
Molecular consequence: missense variant.
Genome position (GRCh38, 1-based): chr2:191,073,141, C>T on the plus strand (G>A on the coding strand, the complement: STAT4 is on the minus strand). VCF-style: chr2-191073141-C-T. GRCh37 (hg19) VCF-style: chr2-191937867-C-T.
Other names: c.422G>A, p.Arg141Lys (NM_001243835.2); short protein forms R141K.
Identifiers: ClinVar variation 4695026 (VCV004695026.1).